The following is an entry in ClinVar:

NM_130384.3(ATRIP):c.331A>G (p.Asn111Asp)

Genes: ATRIP (ATR interacting protein; plus strand), ATRIP-TREX1 (ATRIP-TREX1 readthrough; plus strand). Cytogenetic location: 3p21.31.
Variant type: single nucleotide variant.
Coding change: c.331A>G on transcript NM_130384.3 (MANE Select); coding-DNA position 331, A replaced by G.
Protein change: p.Asn111Asp; replaces asparagine 111 with aspartic acid.
Molecular consequence: missense variant. On other transcripts: non-coding transcript variant (1), 5 prime UTR variant (1).
Genome position (GRCh38, 1-based): chr3:48,450,120, A>G. VCF-style: chr3-48450120-A-G. GRCh37 (hg19) VCF-style: chr3-48491526-A-G.
Other names: c.-134A>G (NM_001271022.2); c.52A>G, p.Asn18Asp (NM_001271023.2); c.331A>G, p.Asn111Asp (NM_032166.4); short protein forms N111D, N18D.
Identifiers: ClinVar variation 4842175 (VCV004842175.1).

ClinVar aggregate classification (germline): Uncertain significance (1 of 4 stars; one submission).

Submission:

Ambry Genetics
Classification: Uncertain significance. Last evaluated: 2025-12-29. Review status: criteria provided, single submitter. Criteria: Ambry Variant Classification Scheme 2023. Collection method: clinical testing. Allele origin: germline.
Comment: The p.N111D variant (also known as c.331A>G), located in coding exon 2 of the ATRIP gene, results from an A to G substitution at nucleotide position 331. The asparagine at codon 111 is replaced by aspartic acid, an amino acid with highly similar properties. This amino acid position is conserved. In addition, this alteration is predicted to be tolerated by in silico analysis. Based on the available evidence, the clinical significance of this variant remains unclear.